The following is an entry in ClinVar:

NM_001366385.1(CARD14):c.454C>T (p.Arg152Trp)

Gene: CARD14 (caspase recruitment domain family member 14; plus strand). Cytogenetic location: 17q25.3.
Variant type: single nucleotide variant.
Coding change: c.454C>T on transcript NM_001366385.1 (MANE Select); coding-DNA position 454, C replaced by T.
Protein change: p.Arg152Trp; replaces arginine 152 with tryptophan.
Molecular consequence: missense variant. On other transcripts: non-coding transcript variant (1).
Genome position (GRCh38, 1-based): chr17:80,184,017, C>T. VCF-style: chr17-80184017-C-T. GRCh37 (hg19) VCF-style: chr17-78157816-C-T.
Other names: c.454C>T (NM_024110.3); c.454C>T, p.Arg152Trp (NM_001257970.1, NM_024110.4); short protein forms R152W.
Identifiers: ClinVar variation 954686 (VCV000954686.14), dbSNP rs780493135, ClinGen allele CA8816428.
Genomic context (GRCh38, chr17:80,184,017, plus strand): 5'-ATCGGCAGCCTGCAGGAGGAGCTGAACCAGGAAAAGGGGCAGAAGGAGGTGCTGCTGCGG[C>T]GGTGCCAGCAGCTGCAGGAGCACCTGGGCCTGGCCGAGACCCGTGCCGAGGGCCTGCACC-3'
Protein context (NP_001353314.1, residues 142-162): EKGQKEVLLR[Arg152Trp]CQQLQEHLGL

ClinVar aggregate classification (germline): Conflicting classifications of pathogenicity. Review status: criteria provided, conflicting classifications (1 of 4 stars). 4 submissions from 4 submitters: Uncertain significance (2); Likely benign (1). 1 of the submissions does not count toward it. Last evaluated 2026-06-01.

Conditions:
CARD14-related disorder. Also called: CARD14-related condition.
Pityriasis rubra pilaris (PRP). Also called: Pityriasis rubra pilaris--familial type. Identifiers: Orphanet 2897, MedGen C0032027, MONDO:0100017, OMIM 173200, MONDO:0008251.
Psoriasis 2. Identifiers: MedGen C1864497, MONDO:0011269, OMIM 602723.
Inborn genetic diseases. Identifiers: MedGen C0950123, MeSH D030342.

Allele frequency attached by ClinVar (database versions not stated): ExAC 0.00002; gnomAD exomes 0.00002 and 0.00003; TOPMed 0.00003.
gnomAD v4.1: 47 of 1,585,350 alleles (0.003%); highest among the groups gnomAD compares: Middle Eastern, 0.017%; no homozygotes.

Submissions (4):

CeGaT Center for Human Genetics Tuebingen
Classification: Likely benign. Last evaluated: 2026-06-01. Review status: criteria provided, single submitter. Criteria: CeGaT Center For Human Genetics Tuebingen Variant Classification Criteria Version 2. Collection method: clinical testing. Allele origin: germline. Affected: yes. Observed: 1 variant allele.
Comment: CARD14: BP4

Labcorp Genetics (formerly Invitae), Labcorp
Classification: Uncertain significance for Pityriasis rubra pilaris; Psoriasis 2. Last evaluated: 2024-12-30. Review status: criteria provided, single submitter. Criteria: Invitae Variant Classification Sherloc (09022015). Collection method: clinical testing. Allele origin: germline.
Comment: This sequence change replaces arginine, which is basic and polar, with tryptophan, which is neutral and slightly polar, at codon 152 of the CARD14 protein (p.Arg152Trp). The frequency data for this variant in the population databases is considered unreliable, as metrics indicate poor data quality at this position in the gnomAD database. This variant has not been reported in the literature in individuals affected with CARD14-related conditions. ClinVar contains an entry for this variant (Variation ID: 954686). Invitae Evidence Modeling of protein sequence and biophysical properties (such as structural, functional, and spatial information, amino acid conservation, physicochemical variation, residue mobility, and thermodynamic stability) indicates that this missense variant is not expected to disrupt CARD14 protein function with a negative predictive value of 95%. In summary, the available evidence is currently insufficient to determine the role of this variant in disease. Therefore, it has been classified as a Variant of Uncertain Significance.

Ambry Genetics
Classification: Uncertain significance for Inborn genetic diseases. Last evaluated: 2024-01-17. Review status: criteria provided, single submitter. Criteria: Ambry Variant Classification Scheme 2023. Collection method: clinical testing. Allele origin: germline.

PreventionGenetics, part of Exact Sciences
Classification: Uncertain significance for CARD14-related condition. Last evaluated: 2024-09-17. Review status: no assertion criteria provided. Collection method: clinical testing. Allele origin: germline. Not counted in ClinVar's aggregate classification.
Comment: The CARD14 c.454C>T variant is predicted to result in the amino acid substitution p.Arg152Trp. To our knowledge, this variant has not been reported in the literature. This variant is reported in 0.0077% of alleles in individuals of African descent in gnomAD. At this time, the clinical significance of this variant is uncertain due to the absence of conclusive functional and genetic evidence.